The following is an entry in ClinVar:

NM_177924.5(ASAH1):c.851G>A (p.Gly284Glu)

Gene: ASAH1 (N-acylsphingosine amidohydrolase 1; minus strand). Cytogenetic location: 8p22.
Variant type: single nucleotide variant.
Coding change: c.851G>A on transcript NM_177924.5 (MANE Select); coding-DNA position 851, G replaced by A.
Protein change: p.Gly284Glu; replaces glycine 284 with glutamic acid.
Molecular consequence: missense variant.
Genome position (GRCh38, 1-based): chr8:18,059,638, C>T on the plus strand (G>A on the coding strand, the complement: ASAH1 is on the minus strand). VCF-style: chr8-18059638-C-T. GRCh37 (hg19) VCF-style: chr8-17917147-C-T.
Other names: c.851G>A (NM_177924.3); c.833G>A, p.Gly278Glu (NM_001127505.3); c.656G>A, p.Gly219Glu (NM_001363743.2); c.899G>A, p.Gly300Glu (NM_004315.6); short protein forms G219E, G278E, G284E, G300E.
Identifiers: ClinVar variation 2422102 (VCV002422102.6), dbSNP rs1799610310, ClinGen allele CA370428103.

ClinVar aggregate classification (germline): Uncertain significance. Review status: criteria provided, multiple submitters, no conflicts (2 of 4 stars). 2 submissions from 2 submitters: Uncertain significance (2). Last evaluated 2024-03-15.

Conditions:
Inborn genetic diseases. Identifiers: MedGen C0950123, MeSH D030342.

Allele frequency attached by ClinVar (database versions not stated): TOPMed below 0.00001; gnomAD 0.00001.
gnomAD v4.1: 2 of 1,614,068 alleles (0.00012%); highest among the groups gnomAD compares: Admixed American, 0.0017%; no homozygotes.

Submissions (2):

Ambry Genetics
Classification: Uncertain significance for Inborn genetic diseases. Last evaluated: 2024-03-15. Review status: criteria provided, single submitter. Criteria: Ambry Variant Classification Scheme 2023. Collection method: clinical testing. Allele origin: germline.

Labcorp Genetics (formerly Invitae), Labcorp
Classification: Uncertain significance. Last evaluated: 2022-07-27. Review status: criteria provided, single submitter. Criteria: Invitae Variant Classification Sherloc (09022015). Collection method: clinical testing. Allele origin: germline.
Comment: This sequence change replaces glycine, which is neutral and non-polar, with glutamic acid, which is acidic and polar, at codon 284 of the ASAH1 protein (p.Gly284Glu). This variant is not present in population databases (gnomAD no frequency). This variant has not been reported in the literature in individuals affected with ASAH1-related conditions. Algorithms developed to predict the effect of missense changes on protein structure and function (SIFT, PolyPhen-2, Align-GVGD) all suggest that this variant is likely to be disruptive. In summary, the available evidence is currently insufficient to determine the role of this variant in disease. Therefore, it has been classified as a Variant of Uncertain Significance.